The following is an entry in ClinVar:

NM_001377.3(DYNC2H1):c.7284T>A (p.Cys2428Ter)

Gene: DYNC2H1 (dynein cytoplasmic 2 heavy chain 1; plus strand). Cytogenetic location: 11q22.3.
Variant type: single nucleotide variant.
Coding change: c.7284T>A on transcript NM_001377.3 (MANE Select); coding-DNA position 7284, T replaced by A.
Protein change: p.Cys2428Ter; replaces cysteine 2428 with a stop codon.
Molecular consequence: nonsense.
Genome position (GRCh38, 1-based): chr11:103,188,640, T>A. VCF-style: chr11-103188640-T-A. GRCh37 (hg19) VCF-style: chr11-103059369-T-A.
Other names: c.7284T>A, p.Cys2428Ter (NM_001080463.2); short protein forms C2428*.
Identifiers: ClinVar variation 3006381 (VCV003006381.5), dbSNP rs770936919, ClinGen allele CA6254197.

ClinVar aggregate classification (germline): Pathogenic/Likely pathogenic. Review status: criteria provided, multiple submitters, no conflicts (2 of 4 stars). 3 submissions from 3 submitters: Pathogenic (2); Likely pathogenic (1). Last evaluated 2024-11-05.

Conditions:
Jeune thoracic dystrophy. Also called: Short-rib thoracic dysplasia; Jeune syndrome; Infantile thoracic dystrophy; Thoracic pelvic phalangeal dystrophy; Jeune's syndrome; Chondroectodermal dysplasia-like syndrome. Identifiers: Orphanet 474, MedGen C0265275, MONDO:0018770.
Asphyxiating thoracic dystrophy 3. Also called: POLYDACTYLY WITH NEONATAL CHONDRODYSTROPHY, TYPE I; SHORT-RIB THORACIC DYSPLASIA 3/6 WITH POLYDACTYLY, DIGENIC; Short rib polydactyly syndrome 2B; SHORT-RIB THORACIC DYSPLASIA 3 WITH OR WITHOUT POLYDACTYLY; Saldino-Noonan Syndrome. Identifiers: Orphanet 474, Orphanet 93269, Orphanet 93270, Orphanet 93271, MedGen C0036069, MONDO:0013127, OMIM 613091.

Allele frequency attached by ClinVar (database versions not stated): TOPMed below 0.00001.
gnomAD v4.1: 3 of 1,599,794 alleles (0.00019%); highest among the groups gnomAD compares: Non-Finnish European, 0.00017%; no homozygotes.

Submissions (3):

Myriad Genetics, Inc.
Classification: Pathogenic for Asphyxiating thoracic dystrophy 3. Last evaluated: 2024-11-05. Review status: criteria provided, single submitter. Criteria: Myriad Autosomal Dominant, Autosomal Recessive and X-Linked Classification Criteria (2023). Collection method: clinical testing. Allele origin: unknown.
Comment: NM_001377.2(DYNC2H1):c.7284T>A(C2428*) is expected to be pathogenic in the context of DYNC2H1-related disorders. This variant is predicted to lead to an abnormal or absent protein product due to the creation of a premature termination codon in DYNC2H1, a gene where loss-of-function variants are known to be pathogenic. Please note: this variant was assessed in the context of healthy population screening.

Fulgent Genetics
Classification: Likely pathogenic for Asphyxiating thoracic dystrophy 3. Last evaluated: 2024-05-22. Review status: criteria provided, single submitter. Criteria: ACMG Guidelines, 2015. Collection method: clinical testing. Allele origin: germline.

Labcorp Genetics (formerly Invitae), Labcorp
Classification: Pathogenic for Jeune thoracic dystrophy. Last evaluated: 2023-10-11. Review status: criteria provided, single submitter. Criteria: Invitae Variant Classification Sherloc (09022015). Collection method: clinical testing. Allele origin: germline.
Comment: This sequence change creates a premature translational stop signal (p.Cys2428*) in the DYNC2H1 gene. It is expected to result in an absent or disrupted protein product. Loss-of-function variants in DYNC2H1 are known to be pathogenic (PMID: 23339108, 32753734, 33755199). This variant is present in population databases (rs770936919, gnomAD 0.0009%). This variant has not been reported in the literature in individuals affected with DYNC2H1-related conditions. For these reasons, this variant has been classified as Pathogenic.

Literature cited by the submitters: PubMed 23339108 (cited by Labcorp Genetics (formerly Invitae), Labcorp); PubMed 32753734 (cited by Labcorp Genetics (formerly Invitae), Labcorp); PubMed 33755199 (cited by Labcorp Genetics (formerly Invitae), Labcorp).